The following is an entry in ClinVar:

ClinVar aggregate classification (germline): Uncertain significance. Review status: criteria provided, multiple submitters, no conflicts (2 of 4 stars). 3 submissions from 3 submitters: Uncertain significance (3). Last evaluated 2024-08-19.

Conditions:
Cardiovascular phenotype. Identifiers: MedGen CN230736.

Allele frequency attached by ClinVar (database versions not stated): gnomAD 0.00001 and 0.00003; gnomAD exomes 0.00001; TOPMed 0.00005.
gnomAD v4.1: 23 of 1,548,886 alleles (0.0015%); highest among the groups gnomAD compares: Admixed American, 0.0078%; no homozygotes.

Submissions (3):

GeneDx
Classification: Uncertain significance. Last evaluated: 2024-08-19. Review status: criteria provided, single submitter. Criteria: GeneDx Variant Classification Process June 2021. Collection method: clinical testing. Allele origin: germline. Affected: yes.
Comment: Not observed at significant frequency in large population cohorts (gnomAD); In silico analysis indicates that this missense variant does not alter protein structure/function; Has not been previously published as pathogenic or benign to our knowledge

Ambry Genetics
Classification: Uncertain significance for Cardiovascular phenotype. Last evaluated: 2024-01-03. Review status: criteria provided, single submitter. Criteria: Ambry Variant Classification Scheme 2023. Collection method: clinical testing. Allele origin: germline.

Labcorp Genetics (formerly Invitae), Labcorp
Classification: Uncertain significance. Last evaluated: 2021-11-07. Review status: criteria provided, single submitter. Criteria: Invitae Variant Classification Sherloc (09022015). Collection method: clinical testing. Allele origin: germline.
Comment: This sequence change replaces arginine, which is basic and polar, with glutamine, which is neutral and polar, at codon 2054 of the ZNF469 protein (p.Arg2054Gln). This variant is present in population databases (no rsID available, gnomAD 0.004%). This variant has not been reported in the literature in individuals affected with ZNF469-related conditions. Algorithms developed to predict the effect of missense changes on protein structure and function output the following: SIFT: "Tolerated"; PolyPhen-2: "Benign"; Align-GVGD: "Class C0". The glutamine amino acid residue is found in multiple mammalian species, which suggests that this missense change does not adversely affect protein function. In summary, the available evidence is currently insufficient to determine the role of this variant in disease. Therefore, it has been classified as a Variant of Uncertain Significance.

NM_001367624.2(ZNF469):c.6245G>A (p.Arg2082Gln)

Gene: ZNF469 (zinc finger protein 469; plus strand). Cytogenetic location: 16q24.2.
Variant type: single nucleotide variant.
Coding change: c.6245G>A on transcript NM_001367624.2 (MANE Select); coding-DNA position 6245, G replaced by A.
Protein change: p.Arg2082Gln; replaces arginine 2082 with glutamine.
Molecular consequence: missense variant.
Genome position (GRCh38, 1-based): chr16:88,433,715, G>A. VCF-style: chr16-88433715-G-A. GRCh37 (hg19) VCF-style: chr16-88500123-G-A.
Other names: NM_001127464.1:c.6161G>A; short protein forms R2082Q.
Identifiers: ClinVar variation 1351962 (VCV001351962.5), dbSNP rs1013853189, ClinGen allele CA286381304.